The following is an entry in ClinVar:

ClinVar aggregate classification (germline): Uncertain significance (1 of 4 stars; one submission).

Conditions:
Hereditary cancer-predisposing syndrome. Also called: Neoplastic Syndromes, Hereditary; Tumor predisposition; Hereditary neoplastic syndrome; Hereditary Cancer Syndrome. Identifiers: Orphanet 140162, MedGen C0027672, MeSH D009386, MONDO:0015356.

Submission:

Ambry Genetics
Classification: Uncertain significance for Hereditary cancer-predisposing syndrome. Last evaluated: 2026-06-28. Review status: criteria provided, single submitter. Criteria: Ambry Variant Classification Scheme 2023. Collection method: clinical testing. Allele origin: germline.
Comment: The p.E2081G variant (also known as c.6242A>G), located in coding exon 10 of the BRCA2 gene, results from an A to G substitution at nucleotide position 6242. The glutamic acid at codon 2081 is replaced by glycine, an amino acid with similar properties. This amino acid position is conserved. In addition, the in silico prediction for this alteration is inconclusive. Based on the available evidence, the clinical significance of this variant remains unclear.

NM_000059.4(BRCA2):c.6242A>G (p.Glu2081Gly)

Gene: BRCA2 (BRCA2 DNA repair associated; plus strand). Cytogenetic location: 13q13.1.
Variant type: single nucleotide variant.
Coding change: c.6242A>G on transcript NM_000059.4 (MANE Select); coding-DNA position 6242, A replaced by G.
Protein change: p.Glu2081Gly; replaces glutamic acid 2081 with glycine.
Molecular consequence: missense variant. On other transcripts: non-coding transcript variant (1), intron variant (2).
Genome position (GRCh38, 1-based): chr13:32,340,597, A>G. VCF-style: chr13-32340597-A-G. GRCh37 (hg19) VCF-style: chr13-32914734-A-G.
Other names: c.6242A>G, p.Glu2081Gly (NM_001406719.1, NM_001406720.1, NM_001432077.1); c.1910-3961A>G (NM_001406721.1); c.425-3961A>G (NM_001406722.1); short protein forms E2081G.
Identifiers: ClinVar variation 5033256 (VCV005033256.1).
Genomic context (GRCh38, chr13:32,340,597, plus strand): 5'-CAAGTGGAAAGCAAGTTTCCATTTTAGAAAGTTCCTTACACAAAGTTAAGGGAGTGTTAG[A>G]GGAATTTGATTTAATCAGAACTGAGCATAGTCTTCACTATTCACCTACGTCTAGACAAAA-3'
Protein context (NP_000050.3, residues 2071-2091): SSLHKVKGVL[Glu2081Gly]EFDLIRTEHS